The following is an entry in ClinVar:

ClinVar aggregate classification (germline): Uncertain significance. Review status: criteria provided, multiple submitters, no conflicts (2 of 4 stars). 2 submissions from 2 submitters: Uncertain significance (2). Last evaluated 2026-05-01.

Conditions:
Developmental and epileptic encephalopathy, 9 (DEE9). Also called: Early infantile epileptic encephalopathy 9; JUBERG-HELLMAN SYNDROME; PCDH19-Related X-Linked Female-Limited Epilepsy with Mental Retardation; EPILEPSY, FEMALE-RESTRICTED, WITH MENTAL RETARDATION. Identifiers: Orphanet 101039, Orphanet 2076, MedGen C1848137, MONDO:0010246, OMIM 300088. Disease mechanism: loss of function.

Submissions (2):

CeGaT Center for Human Genetics Tuebingen
Classification: Uncertain significance. Last evaluated: 2026-05-01. Review status: criteria provided, single submitter. Criteria: CeGaT Center For Human Genetics Tuebingen Variant Classification Criteria Version 2. Collection method: clinical testing. Allele origin: germline. Affected: yes. Observed: 1 variant allele.
Comment: PCDH19: PM2, BP4

Labcorp Genetics (formerly Invitae), Labcorp
Classification: Uncertain significance for Developmental and epileptic encephalopathy, 9. Last evaluated: 2022-07-06. Review status: criteria provided, single submitter. Criteria: Invitae Variant Classification Sherloc (09022015). Collection method: clinical testing. Allele origin: germline.
Comment: ClinVar contains an entry for this variant (Variation ID: 1416696). This sequence change replaces histidine, which is basic and polar, with tyrosine, which is neutral and polar, at codon 1025 of the PCDH19 protein (p.His1025Tyr). This variant is not present in population databases (gnomAD no frequency). This missense change has been observed in individual(s) with clinical features of PCDH19-related conditions (Invitae). Advanced modeling of protein sequence and biophysical properties (such as structural, functional, and spatial information, amino acid conservation, physicochemical variation, residue mobility, and thermodynamic stability) performed at Invitae indicates that this missense variant is not expected to disrupt PCDH19 protein function. In summary, the available evidence is currently insufficient to determine the role of this variant in disease. Therefore, it has been classified as a Variant of Uncertain Significance.

NM_001184880.2(PCDH19):c.3073C>T (p.His1025Tyr)

Gene: PCDH19 (protocadherin 19; minus strand). Cytogenetic location: Xq22.1.
Variant type: single nucleotide variant.
Coding change: c.3073C>T on transcript NM_001184880.2 (MANE Select); coding-DNA position 3073, C replaced by T.
Protein change: p.His1025Tyr; replaces histidine 1025 with tyrosine.
Molecular consequence: missense variant.
Genome position (GRCh38, 1-based): chrX:100,296,651, G>A on the plus strand (C>T on the coding strand, the complement: PCDH19 is on the minus strand). VCF-style: chrX-100296651-G-A. GRCh37 (hg19) VCF-style: chrX-99551649-G-A.
Other names: c.2932C>T, p.His978Tyr (NM_001105243.2); c.2929C>T, p.His977Tyr (NM_020766.3); short protein forms H1025Y, H977Y, H978Y.
Identifiers: ClinVar variation 1416696 (VCV001416696.10), dbSNP rs2147446139, ClinGen allele CA414000505.